The following is an entry in ClinVar:

NM_015178.3(RHOBTB2):c.1067G>A (p.Gly356Asp)

Gene: RHOBTB2 (Rho related BTB domain containing 2; plus strand). Cytogenetic location: 8p21.3.
Variant type: single nucleotide variant.
Coding change: c.1067G>A on transcript NM_015178.3 (MANE Select); coding-DNA position 1067, G replaced by A.
Protein change: p.Gly356Asp; replaces glycine 356 with aspartic acid.
Molecular consequence: missense variant.
Genome position (GRCh38, 1-based): chr8:23,007,312, G>A. VCF-style: chr8-23007312-G-A. GRCh37 (hg19) VCF-style: chr8-22864825-G-A.
Other names: c.1133G>A, p.Gly378Asp (NM_001160036.2); c.1088G>A, p.Gly363Asp (NM_001160037.2); c.1067G>A, p.Gly356Asp (NM_001374791.1); c.1133G>A (NM_001160036.1); short protein forms G356D, G363D, G378D.
Identifiers: ClinVar variation 2769804 (VCV002769804.4), dbSNP rs766921853, ClinGen allele CA4672594.

ClinVar aggregate classification (germline): Uncertain significance. Review status: criteria provided, multiple submitters, no conflicts (2 of 4 stars). 2 submissions from 2 submitters: Uncertain significance (2). Last evaluated 2024-10-30.

Conditions:
Inborn genetic diseases. Identifiers: MedGen C0950123, MeSH D030342.

Allele frequency attached by ClinVar (database versions not stated): ExAC 0.00002.
gnomAD v4.1: 14 of 1,613,716 alleles (0.00087%); highest among the groups gnomAD compares: Non-Finnish European, 0.0011%; no homozygotes.

Submissions (2):

Labcorp Genetics (formerly Invitae), Labcorp
Classification: Uncertain significance. Last evaluated: 2024-10-30. Review status: criteria provided, single submitter. Criteria: Invitae Variant Classification Sherloc (09022015). Collection method: clinical testing. Allele origin: germline.
Comment: This sequence change replaces glycine, which is neutral and non-polar, with aspartic acid, which is acidic and polar, at codon 378 of the RHOBTB2 protein (p.Gly378Asp). This variant is present in population databases (rs766921853, gnomAD 0.003%). This variant has not been reported in the literature in individuals affected with RHOBTB2-related conditions. ClinVar contains an entry for this variant (Variation ID: 2769804). An algorithm developed to predict the effect of missense changes on protein structure and function (PolyPhen-2) suggests that this variant is likely to be tolerated. In summary, the available evidence is currently insufficient to determine the role of this variant in disease. Therefore, it has been classified as a Variant of Uncertain Significance.

Ambry Genetics
Classification: Uncertain significance for Inborn genetic diseases. Last evaluated: 2024-03-12. Review status: criteria provided, single submitter. Criteria: Ambry Variant Classification Scheme 2023. Collection method: clinical testing. Allele origin: germline.